The following is an entry in ClinVar:

ClinVar aggregate classification (germline): Conflicting classifications of pathogenicity. Review status: criteria provided, conflicting classifications (1 of 4 stars). 5 submissions from 4 submitters: Uncertain significance (2); Likely benign (2). 1 of the submissions does not count toward it. Last evaluated 2025-03-31.

Conditions:
HR-related disorder. Also called: HR-related disorders; HR-related condition. Identifiers: MedGen CN239293.
Atrichia with papular lesions (APL). Also called: PAPULAR ATRICHIA. Identifiers: Orphanet 86819, MedGen C1859592, MONDO:0008847, OMIM 209500.
Alopecia universalis congenita (ALUNC). Also called: ATRICHIA, GENERALIZED. Identifiers: Orphanet 701, MedGen C1859877, MONDO:0008757, OMIM 203655.

Allele frequency attached by ClinVar (database versions not stated): TOPMed 0.00003; gnomAD 0.00005 and 0.00006; gnomAD exomes 0.00005; ExAC 0.00006; ESP Exome Variant Server 0.00008.
gnomAD v4.1: 59 of 1,611,738 alleles (0.0037%); highest among the groups gnomAD compares: Middle Eastern, 0.082%; no homozygotes.

Submissions (5):

Labcorp Genetics (formerly Invitae), Labcorp
Classification: Likely benign. Last evaluated: 2025-03-31. Review status: criteria provided, single submitter. Criteria: Invitae Variant Classification Sherloc (09022015). Collection method: clinical testing. Allele origin: germline.

Blueprint Genetics
Classification: Likely benign. Last evaluated: 2024-10-16. Review status: criteria provided, single submitter. Criteria: ACMG Guidelines, 2015. Collection method: clinical testing. Allele origin: germline.

Illumina Laboratory Services, Illumina
Classification: Uncertain significance for Atrichia with papular lesions. Last evaluated: 2017-04-27. Review status: criteria provided, single submitter. Criteria: ICSL Variant Classification Criteria 13 December 2019. Collection method: clinical testing. Allele origin: germline.

Illumina Laboratory Services, Illumina
Classification: Uncertain significance for Alopecia universalis congenita. Last evaluated: 2017-04-27. Review status: criteria provided, single submitter. Criteria: ICSL Variant Classification Criteria 13 December 2019. Collection method: clinical testing. Allele origin: germline.

PreventionGenetics, part of Exact Sciences
Classification: Likely benign for HR-related condition. Last evaluated: 2019-09-05. Review status: no assertion criteria provided. Collection method: clinical testing. Allele origin: germline. Not counted in ClinVar's aggregate classification.
Comment: This variant is classified as likely benign based on ACMG/AMP sequence variant interpretation guidelines (Richards et al. 2015 PMID: 25741868, with internal and published modifications).

NM_005144.5(HR):c.1662C>T (p.Leu554=)

Gene: HR (HR lysine demethylase and nuclear receptor corepressor; minus strand). Cytogenetic location: 8p21.3.
Variant type: single nucleotide variant.
Coding change: c.1662C>T on transcript NM_005144.5 (MANE Select); coding-DNA position 1662, C replaced by T.
Protein change: p.Leu554=; no amino-acid change (leucine 554 retained).
Molecular consequence: synonymous variant.
Genome position (GRCh38, 1-based): chr8:22,125,399, G>A on the plus strand (C>T on the coding strand, the complement: HR is on the minus strand). VCF-style: chr8-22125399-G-A. GRCh37 (hg19) VCF-style: chr8-21982912-G-A.
Other names: c.1662C>T, p.Leu554= (NM_018411.4).
Identifiers: ClinVar variation 912098 (VCV000912098.10), dbSNP rs369191252, ClinGen allele CA4662387.